The following is an entry in ClinVar:

ClinVar aggregate classification (germline): Uncertain significance (1 of 4 stars; one submission).

Conditions:
Heterotopia, periventricular, X-linked dominant (PVNH1). Also called: PERIVENTRICULAR NODULAR HETEROTOPIA 1; X-linked periventricular heterotopia; PERIVENTRICULAR NODULAR HETEROTOPIA 4; HETEROTOPIA, PERIVENTRICULAR, 1. Identifiers: Orphanet 2149, Orphanet 82004, MedGen C1848213, MONDO:0010233, OMIM 300049.
Melnick-Needles syndrome (MNS). Also called: Melnick-Needles Syndrome (FLNA-MNS); MELNICK-NEEDLES OSTEODYSPLASTY; OSTEODYSPLASTY OF MELNICK AND NEEDLES. Identifiers: Orphanet 2484, MedGen C0025237, MONDO:0010650, OMIM 309350.
Frontometaphyseal dysplasia (FMD1). Identifiers: Orphanet 1826, MedGen C0265293, MONDO:0015942.
Oto-palato-digital syndrome, type II (OPD2). Also called: Otopalatodigital Syndrome Type 2 (FLNA-OPD2); FACIOPALATOOSSEOUS SYNDROME; OPD II SYNDROME; Otopalatodigital Syndrome, Type II. Identifiers: Orphanet 669, Orphanet 90652, MedGen C1844696, MONDO:0010571, OMIM 304120.

Submission:

Labcorp Genetics (formerly Invitae), Labcorp
Classification: Uncertain significance for Oto-palato-digital syndrome, type II; Heterotopia, periventricular, X-linked dominant; Frontometaphyseal dysplasia; Melnick-Needles syndrome. Last evaluated: 2023-07-19. Review status: criteria provided, single submitter. Criteria: Invitae Variant Classification Sherloc (09022015). Collection method: clinical testing. Allele origin: germline.
Comment: In summary, the available evidence is currently insufficient to determine the role of this variant in disease. Therefore, it has been classified as a Variant of Uncertain Significance. Advanced modeling of protein sequence and biophysical properties (such as structural, functional, and spatial information, amino acid conservation, physicochemical variation, residue mobility, and thermodynamic stability) performed at Invitae indicates that this missense variant is not expected to disrupt FLNA protein function. This variant has not been reported in the literature in individuals affected with FLNA-related conditions. This variant is not present in population databases (gnomAD no frequency). This sequence change replaces alanine, which is neutral and non-polar, with threonine, which is neutral and polar, at codon 799 of the FLNA protein (p.Ala799Thr).

NM_001110556.2(FLNA):c.2395G>A (p.Ala799Thr)

Gene: FLNA (filamin A; minus strand). Cytogenetic location: Xq28.
Variant type: single nucleotide variant.
Coding change: c.2395G>A on transcript NM_001110556.2 (MANE Select); coding-DNA position 2395, G replaced by A.
Protein change: p.Ala799Thr; replaces alanine 799 with threonine.
Molecular consequence: missense variant.
Genome position (GRCh38, 1-based): chrX:154,362,670, C>T on the plus strand (G>A on the coding strand, the complement: FLNA is on the minus strand). VCF-style: chrX-154362670-C-T. GRCh37 (hg19) VCF-style: chrX-153591038-C-T.
Other names: c.2395G>A, p.Ala799Thr (NM_001456.4); short protein forms A799T.
Identifiers: ClinVar variation 2950095 (VCV002950095.3), dbSNP rs2522749488, ClinGen allele CA415237155.
Genomic context (GRCh38, chrX:154,362,670, plus strand): 5'-CTCGCAGGGACACCCCAGCCACCTGCCCTCCCACCCACAGCCAGGCCTTACCCTGGCCAG[C>T]CTCGGCGCAGTCCACAGTGAAGTAGGTGGGCTCGTGGGCCTTGAGCCCTGTCTTGGCTAC-3'
Protein context (NP_001104026.1, residues 789-809): PTYFTVDCAE[Ala799Thr]GQGDVSIGIK